The following is an entry in ClinVar:

NM_172341.4(PSENEN):c.299C>A (p.Thr100Asn)

Gene: PSENEN (presenilin enhancer, gamma-secretase subunit; plus strand). Cytogenetic location: 19q13.12.
Variant type: single nucleotide variant.
Coding change: c.299C>A on transcript NM_172341.4 (MANE Select); coding-DNA position 299, C replaced by A.
Protein change: p.Thr100Asn; replaces threonine 100 with asparagine.
Molecular consequence: missense variant.
Genome position (GRCh38, 1-based): chr19:35,746,840, C>A. VCF-style: chr19-35746840-C-A. GRCh37 (hg19) VCF-style: chr19-36237741-C-A.
Other names: c.299C>A, p.Thr100Asn (NM_001281532.3); short protein forms T100N.
Identifiers: ClinVar variation 2329696 (VCV002329696.3), dbSNP rs1290835389, ClinGen allele CA405463722.

ClinVar aggregate classification (germline): Uncertain significance. Review status: criteria provided, multiple submitters, no conflicts (2 of 4 stars). 2 submissions from 2 submitters: Uncertain significance (2). Last evaluated 2025-02-10.

Allele frequency attached by ClinVar (database versions not stated): gnomAD exomes below 0.00001; TOPMed 0.00001.

Submissions (2):

Labcorp Genetics (formerly Invitae), Labcorp
Classification: Uncertain significance. Last evaluated: 2025-02-10. Review status: criteria provided, single submitter. Criteria: Invitae Variant Classification Sherloc (09022015). Collection method: clinical testing. Allele origin: germline.
Comment: This sequence change replaces threonine, which is neutral and polar, with asparagine, which is neutral and polar, at codon 100 of the PSENEN protein (p.Thr100Asn). This variant is present in population databases (no rsID available, gnomAD 0.007%). This variant has not been reported in the literature in individuals affected with PSENEN-related conditions. ClinVar contains an entry for this variant (Variation ID: 2329696). An algorithm developed to predict the effect of missense changes on protein structure and function (PolyPhen-2) suggests that this variant is likely to be tolerated. In summary, the available evidence is currently insufficient to determine the role of this variant in disease. Therefore, it has been classified as a Variant of Uncertain Significance.

Ambry Genetics
Classification: Uncertain significance. Last evaluated: 2022-11-30. Review status: criteria provided, single submitter. Criteria: Ambry Variant Classification Scheme 2023. Collection method: clinical testing. Allele origin: germline.